The following is an entry in ClinVar:

NM_000038.6(APC):c.1312A>G (p.Met438Val)

Gene: APC (APC regulator of Wnt signaling pathway; plus strand). Cytogenetic location: 5q22.2.
Variant type: single nucleotide variant.
Coding change: c.1312A>G on transcript NM_000038.6 (MANE Select); coding-DNA position 1312, A replaced by G.
Protein change: p.Met438Val; replaces methionine 438 with valine.
Molecular consequence: missense variant.
Genome position (GRCh38, 1-based): chr5:112,819,344, A>G. VCF-style: chr5-112819344-A-G. GRCh37 (hg19) VCF-style: chr5-112155041-A-G.
Other names: c.1312A>G, p.Met438Val (NM_001127510.3, NM_001354895.2, NM_001354896.2); c.1258A>G, p.Met420Val (NM_001127511.3); c.1342A>G, p.Met448Val (NM_001354897.2); c.1237A>G, p.Met413Val (NM_001354898.2); c.1228A>G, p.Met410Val (NM_001354899.2); c.1135A>G, p.Met379Val (NM_001354900.2, NM_001354901.2); c.1039A>G, p.Met347Val (NM_001354902.2); c.1009A>G, p.Met337Val (NM_001354903.2); and 3 more; short protein forms M347V, M413V, M438V, M337V, M155V, M312V, M379V, M410V.
Identifiers: ClinVar variation 818878 (VCV000818878.4), dbSNP rs1580532005, ClinGen allele CA16024178.

ClinVar aggregate classification (germline): Uncertain significance (1 of 4 stars; one submission).

Conditions:
Hereditary cancer-predisposing syndrome. Also called: Tumor predisposition; Hereditary neoplastic syndrome; Neoplastic Syndromes, Hereditary; Hereditary Cancer Syndrome. Identifiers: Orphanet 140162, MedGen C0027672, MeSH D009386, MONDO:0015356.

Submission:

Ambry Genetics
Classification: Uncertain significance for Hereditary cancer-predisposing syndrome. Last evaluated: 2019-12-05. Review status: criteria provided, single submitter. Criteria: Ambry Variant Classification Scheme 2023. Collection method: clinical testing. Allele origin: germline.
Comment: The p.M438V variant (also known as c.1312A>G), located in coding exon 9 of the APC gene, results from an A to G substitution at nucleotide position 1312. The amino acid change results in methionine to valine at codon 438, an amino acid with highly similar properties. This amino acid position is highly conserved in available vertebrate species. In addition, the in silico protein prediction for this alteration is inconclusive. Since supporting evidence is limited at this time, the clinical significance of this alteration remains unclear.